The following is an entry in ClinVar:

ClinVar aggregate classification (germline): Uncertain significance (1 of 4 stars; one submission).

Conditions:
Hereditary pancreatitis (PCTT). Also called: Hereditary chronic pancreatitis; PRSS1-Related Hereditary Pancreatitis. Identifiers: Orphanet 676, MedGen C0238339, MONDO:0008185, OMIM 167800.

Allele frequency attached by ClinVar (database versions not stated): TOPMed below 0.00001.

Submission:

Ambry Genetics
Classification: Uncertain significance for Hereditary pancreatitis. Last evaluated: 2025-05-10. Review status: criteria provided, single submitter. Criteria: Ambry Variant Classification Scheme 2023. Collection method: clinical testing. Allele origin: germline.
Comment: The p.S370R variant (also known as c.1110C>G), located in coding exon 10 of the CPA1 gene, results from a C to G substitution at nucleotide position 1110. The serine at codon 370 is replaced by arginine, an amino acid with dissimilar properties. This amino acid position is conserved. In addition, this alteration is predicted to be tolerated by in silico analysis. Since supporting evidence is limited at this time, the clinical significance of this alteration remains unclear.

NM_001868.4(CPA1):c.1110C>G (p.Ser370Arg)

Gene: CPA1 (carboxypeptidase A1; plus strand). Cytogenetic location: 7q32.2.
Variant type: single nucleotide variant.
Coding change: c.1110C>G on transcript NM_001868.4 (MANE Select); coding-DNA position 1110, C replaced by G.
Protein change: p.Ser370Arg; replaces serine 370 with arginine.
Molecular consequence: missense variant.
Genome position (GRCh38, 1-based): chr7:130,387,861, C>G. VCF-style: chr7-130387861-C-G. GRCh37 (hg19) VCF-style: chr7-130027702-C-G.
Other names: short protein forms S370R.
Identifiers: ClinVar variation 2496918 (VCV002496918.3), dbSNP rs1796499656, ClinGen allele CA369284257.